The following is an entry in ClinVar:

NM_001961.4(EEF2):c.792-3C>G

Gene: EEF2 (eukaryotic translation elongation factor 2; minus strand). Cytogenetic location: 19p13.3.
Variant type: single nucleotide variant.
Coding change: c.792-3C>G on transcript NM_001961.4 (MANE Select); 3 bases into the intron before coding-DNA position 792, C replaced by G.
Molecular consequence: intron variant.
Genome position (GRCh38, 1-based): chr19:3,982,055, G>C on the plus strand (C>G on the coding strand, the complement: EEF2 is on the minus strand). VCF-style: chr19-3982055-G-C. GRCh37 (hg19) VCF-style: chr19-3982053-G-C.
Identifiers: ClinVar variation 4682158 (VCV004682158.1).

ClinVar aggregate classification (germline): Uncertain significance (1 of 4 stars; one submission).

gnomAD v4.1: 20 of 1,614,052 alleles (0.0012%); highest among the groups gnomAD compares: Non-Finnish European, 0.0016%; no homozygotes.

Submission:

Athena Diagnostics
Classification: Uncertain significance. Last evaluated: 2025-02-21. Review status: criteria provided, single submitter. Criteria: Athena Diagnostics Criteria. Collection method: clinical testing. Allele origin: unknown.
Comment: Available data are insufficient to determine the clinical significance of the variant at this time. The frequency of this variant in the general population is uninformative in assessment of its pathogenicity. Computational tools yielded predictions that this variant may interfere with normal RNA splicing.